The following is an entry in ClinVar:

NM_002408.4(MGAT2):c.1199_1202del (p.Asn400fs)

Gene: MGAT2 (alpha-1,6-mannosyl-glycoprotein 2-beta-N-acetylglucosaminyltransferase; plus strand). Cytogenetic location: 14q21.3.
Variant type: Deletion.
Coding change: c.1199_1202del on transcript NM_002408.4 (MANE Select); coding-DNA positions 1199 to 1202, 4 bases deleted (ATAA; older notation c.1199_1202delATAA).
Protein change: p.Asn400fs; shifts the reading frame from asparagine 400.
Molecular consequence: frameshift variant.
Genome position (GRCh38, 1-based): chr14:49,622,467-49,622,470, ATAA deleted; deleting any 4 consecutive bases within chr14:49,622,464-49,622,470 gives the same sequence; the c. name uses the placement nearest the transcript's 3' end. VCF-style (leftmost placement, unchanged base first): chr14-49622463-TTAAA-T. GRCh37 (hg19) VCF-style: chr14-50089181-TTAAA-T.
Other names: c.1199_1202delATAA (NM_002408.3); short protein forms N400fs.
Identifiers: ClinVar variation 3065025 (VCV003065025.2), dbSNP rs2502745152, ClinGen allele CA2740097929.

ClinVar aggregate classification (germline): Likely pathogenic. Review status: criteria provided, single submitter (1 of 4 stars). 2 submissions from 2 submitters: Likely pathogenic (1). 1 of the submissions does not count toward it. Last evaluated 2024-03-25.

Conditions:
MGAT2-related disorder. Also called: MGAT2-related condition.
MGAT2-congenital disorder of glycosylation. Also called: MENTAL RETARDATION, GROWTH RETARDATION, PROMINENT COLUMELLA, AND OPEN MOUTH; Alkuraya syndrome; CDG IIa; MGAT2-CDG; Congenital disorder of glycosylation, type IIa. Identifiers: Orphanet 79329, MedGen C2931008, MONDO:0008908, OMIM 212066.

Submissions (2):

Genomic Medicine Center of Excellence, King Faisal Specialist Hospital and Research Centre
Classification: Likely pathogenic for MGAT2-congenital disorder of glycosylation. Last evaluated: 2024-03-25. Review status: criteria provided, single submitter. Criteria: ACMG Guidelines, 2015. Collection method: clinical testing. Allele origin: germline.

PreventionGenetics, part of Exact Sciences
Classification: Uncertain significance for MGAT2-related condition. Last evaluated: 2024-04-02. Review status: no assertion criteria provided. Collection method: clinical testing. Allele origin: germline. Not counted in ClinVar's aggregate classification.
Comment: The MGAT2 c.1199_1202delATAA variant is predicted to result in a frameshift and premature protein termination (p.Asn400Ilefs*11). To our knowledge, this variant has not been reported in the literature or in a large population database, indicating this variant is rare. Of note, not many loss of function variants have been reported in the MGAT2 gene. At this time, the clinical significance of this variant is uncertain due to the absence of conclusive functional and genetic evidence.